The following is an entry in ClinVar:

NM_000038.6(APC):c.6248T>A (p.Ile2083Lys)

Gene: APC (APC regulator of Wnt signaling pathway; plus strand). Cytogenetic location: 5q22.2.
Variant type: single nucleotide variant.
Coding change: c.6248T>A on transcript NM_000038.6 (MANE Select); coding-DNA position 6248, T replaced by A.
Protein change: p.Ile2083Lys; replaces isoleucine 2083 with lysine.
Molecular consequence: missense variant.
Genome position (GRCh38, 1-based): chr5:112,841,842, T>A. VCF-style: chr5-112841842-T-A. GRCh37 (hg19) VCF-style: chr5-112177539-T-A.
Other names: c.6248T>A, p.Ile2083Lys (NM_001127510.3, NM_001354895.2); c.6194T>A, p.Ile2065Lys (NM_001127511.3); c.6302T>A, p.Ile2101Lys (NM_001354896.2); c.6278T>A, p.Ile2093Lys (NM_001354897.2); c.6173T>A, p.Ile2058Lys (NM_001354898.2); c.6164T>A, p.Ile2055Lys (NM_001354899.2); c.6125T>A, p.Ile2042Lys (NM_001354900.2); c.6071T>A, p.Ile2024Lys (NM_001354901.2); and 5 more; short protein forms I1800K, I1923K, I1957K, I1982K, I1992K, I2024K, I2042K, I2055K.
Identifiers: ClinVar variation 1010358 (VCV001010358.10), dbSNP rs758715972, ClinGen allele CA16035016.
Genomic context (GRCh38, chr5:112,841,842, plus strand): 5'-ATAGTCCCAGAAATATGGGTGGCATATTAGGTGAAGATCTGACACTTGATTTGAAAGATA[T>A]ACAGAGACCAGATTCAGAACATGGTCTATCCCCTGATTCAGAAAATTTTGATTGGAAAGC-3'
Protein context (NP_000029.2, residues 2073-2093): GEDLTLDLKD[Ile2083Lys]QRPDSEHGLS

ClinVar aggregate classification (germline): Uncertain significance (1 of 4 stars; one submission).

Conditions:
Familial adenomatous polyposis 1 (FAP1). Also called: FAMILIAL ADENOMATOUS POLYPOSIS 1, ATTENUATED; POLYPOSIS, ADENOMATOUS INTESTINAL. Identifiers: MedGen C2713442, MONDO:0021056, OMIM 175100. Disease mechanism: loss of function.

Submission:

Labcorp Genetics (formerly Invitae), Labcorp
Classification: Uncertain significance for Familial adenomatous polyposis 1. Last evaluated: 2023-10-27. Review status: criteria provided, single submitter. Criteria: Invitae Variant Classification Sherloc (09022015). Collection method: clinical testing. Allele origin: germline.
Comment: This sequence change replaces isoleucine, which is neutral and non-polar, with lysine, which is basic and polar, at codon 2083 of the APC protein (p.Ile2083Lys). This variant is not present in population databases (gnomAD no frequency). This variant has not been reported in the literature in individuals affected with APC-related conditions. ClinVar contains an entry for this variant (Variation ID: 1010358). Advanced modeling of protein sequence and biophysical properties (such as structural, functional, and spatial information, amino acid conservation, physicochemical variation, residue mobility, and thermodynamic stability) performed at Invitae indicates that this missense variant is not expected to disrupt APC protein function with a negative predictive value of 95%. In summary, the available evidence is currently insufficient to determine the role of this variant in disease. Therefore, it has been classified as a Variant of Uncertain Significance.